The following is an entry in ClinVar:

NM_004655.4(AXIN2):c.634A>C (p.Asn212His)

Gene: AXIN2 (axin 2; minus strand). Cytogenetic location: 17q24.1.
Variant type: single nucleotide variant.
Coding change: c.634A>C on transcript NM_004655.4 (MANE Select); coding-DNA position 634, A replaced by C.
Protein change: p.Asn212His; replaces asparagine 212 with histidine.
Molecular consequence: missense variant.
Genome position (GRCh38, 1-based): chr17:65,557,987, T>G on the plus strand (A>C on the coding strand, the complement: AXIN2 is on the minus strand). VCF-style: chr17-65557987-T-G. GRCh37 (hg19) VCF-style: chr17-63554105-T-G.
Other names: c.634A>C, p.Asn212His (NM_001363813.1); short protein forms N212H.
Identifiers: ClinVar variation 2835663 (VCV002835663.4), dbSNP rs2544248743, ClinGen allele CA400680601.
Genomic context (GRCh38, chr17:65,557,987, plus strand): 5'-CTTCTTCATTCAAGGTGGGGAGATAGCCACACACGACCTTTAGGCTCCCGAGTCCCCCAT[T>G]ACTCATGTAAGCTGTGTTTTCTCCCCCACTCCTCACATATTCGAGGTATATATCAGAAGT-3'
Protein context (NP_004646.3, residues 202-222): SGGENTAYMS[Asn212His]GGLGSLKVVC

ClinVar aggregate classification (germline): Uncertain significance. Review status: criteria provided, multiple submitters, no conflicts (2 of 4 stars). 2 submissions from 2 submitters: Uncertain significance (2). Last evaluated 2025-05-09.

Conditions:
Oligodontia-cancer predisposition syndrome. Also called: TOOTH AGENESIS-COLORECTAL CANCER SYNDROME. Identifiers: Orphanet 300576, MedGen C1837750, MONDO:0012075, OMIM 608615. Disease mechanism: loss of function.

Submissions (2):

Labcorp Genetics (formerly Invitae), Labcorp
Classification: Uncertain significance for Oligodontia-cancer predisposition syndrome. Last evaluated: 2025-05-09. Review status: criteria provided, single submitter. Criteria: Invitae Variant Classification Sherloc (09022015). Collection method: clinical testing. Allele origin: germline.
Comment: This sequence change replaces asparagine, which is neutral and polar, with histidine, which is basic and polar, at codon 212 of the AXIN2 protein (p.Asn212His). This variant is not present in population databases (gnomAD no frequency). This variant has not been reported in the literature in individuals affected with AXIN2-related conditions. ClinVar contains an entry for this variant (Variation ID: 2835663). Invitae Evidence Modeling of protein sequence and biophysical properties (such as structural, functional, and spatial information, amino acid conservation, physicochemical variation, residue mobility, and thermodynamic stability) indicates that this missense variant is not expected to disrupt AXIN2 protein function with a negative predictive value of 80%. In summary, the available evidence is currently insufficient to determine the role of this variant in disease. Therefore, it has been classified as a Variant of Uncertain Significance.

Quest Diagnostics Nichols Institute San Juan Capistrano
Classification: Uncertain significance. Last evaluated: 2025-04-24. Review status: criteria provided, single submitter. Criteria: Quest Diagnostics criteria. Collection method: clinical testing. Allele origin: unknown.
Comment: The AXIN2 c.634A>C (p.Asn212His) variant has not been reported in individuals with AXIN2-related conditions in the published literature. It also has not been reported in large, multi-ethnic general populations (Genome Aggregation Database). Analysis of this variant using bioinformatics tools for the prediction of the effect of amino acid changes on protein structure and function yielded predictions that this variant is benign. Based on the available information, we are unable to determine the clinical significance of this variant.